The following is an entry in ClinVar:

NM_000548.5(TSC2):c.3583G>A (p.Ala1195Thr)

Gene: TSC2 (TSC complex subunit 2; plus strand). Cytogenetic location: 16p13.3.
Variant type: single nucleotide variant.
Coding change: c.3583G>A on transcript NM_000548.5 (MANE Select); coding-DNA position 3583, G replaced by A.
Protein change: p.Ala1195Thr; replaces alanine 1195 with threonine.
Molecular consequence: missense variant. On other transcripts: non-coding transcript variant (5).
Genome position (GRCh38, 1-based): chr16:2,080,350, G>A. VCF-style: chr16-2080350-G-A. GRCh37 (hg19) VCF-style: chr16-2130351-G-A.
Other names: c.3304G>A, p.Ala1102Thr (NM_001406679.1); c.2983G>A, p.Ala995Thr (NM_001406680.1, NM_001406682.1, NM_001406683.1); c.2992G>A, p.Ala998Thr (NM_001406681.1); c.2980G>A, p.Ala994Thr (NM_001406684.1); c.2854G>A, p.Ala952Thr (NM_001406685.1, NM_001406686.1); c.2851G>A, p.Ala951Thr (NM_001406687.1, NM_001406688.1, NM_001318831.2); c.3451G>A, p.Ala1151Thr (NM_001077183.3, NM_001370404.1, NM_001406665.1); c.3583G>A, p.Ala1195Thr (NM_001114382.3); and 18 more; short protein forms A1132T, A1152T, A1162T, A1182T, A1195T, A747T, A1145T, A617T.
Identifiers: ClinVar variation 2812777 (VCV002812777.3), dbSNP rs2089978833, ClinGen allele CA394289650.

ClinVar aggregate classification (germline): Uncertain significance (1 of 4 stars; one submission).

Conditions:
Tuberous sclerosis 2 (TSC2). Identifiers: Orphanet 805, MedGen C1860707, MONDO:0013199, OMIM 613254.

Submission:

Labcorp Genetics (formerly Invitae), Labcorp
Classification: Uncertain significance for Tuberous sclerosis 2. Last evaluated: 2024-01-31. Review status: criteria provided, single submitter. Criteria: Invitae Variant Classification Sherloc (09022015). Collection method: clinical testing. Allele origin: germline.
Comment: This sequence change replaces alanine, which is neutral and non-polar, with threonine, which is neutral and polar, at codon 1195 of the TSC2 protein (p.Ala1195Thr). This variant is not present in population databases (gnomAD no frequency). This variant has not been reported in the literature in individuals affected with TSC2-related conditions. Advanced modeling of protein sequence and biophysical properties (such as structural, functional, and spatial information, amino acid conservation, physicochemical variation, residue mobility, and thermodynamic stability) performed at Invitae indicates that this missense variant is not expected to disrupt TSC2 protein function with a negative predictive value of 95%. In summary, the available evidence is currently insufficient to determine the role of this variant in disease. Therefore, it has been classified as a Variant of Uncertain Significance.